The following is an entry in ClinVar:

NM_001135649.3(FOXI3):c.106C>A (p.Pro36Thr)

Gene: FOXI3 (forkhead box I3; minus strand). Cytogenetic location: 2p11.2.
Variant type: single nucleotide variant.
Coding change: c.106C>A on transcript NM_001135649.3 (MANE Select); coding-DNA position 106, C replaced by A.
Protein change: p.Pro36Thr; replaces proline 36 with threonine.
Molecular consequence: missense variant.
Genome position (GRCh38, 1-based): chr2:88,452,430, G>T on the plus strand (C>A on the coding strand, the complement: FOXI3 is on the minus strand). VCF-style: chr2-88452430-G-T. GRCh37 (hg19) VCF-style: chr2-88751948-G-T.
Other names: short protein forms P36T.
Identifiers: ClinVar variation 1719968 (VCV001719968.5), dbSNP rs1676069972, ClinGen allele CA347767046.
Genomic context (GRCh38, chr2:88,452,430, plus strand): 5'-GCCACAGGTAGGGGTTGGCGGCGGCGGCCGGCGGCGCGGCGTAGTCGGCCAGCCCGTAAG[G>T]CGCCCTGGCTGCCGGGGGGGCGCCCGGGGCGGCGGCGGTGGCGGCGGGCGGGGGCAGGCC-3'
Protein context (NP_001129121.1, residues 26-46): APGAPPAARA[Pro36Thr]YGLADYAAPP

ClinVar aggregate classification (germline): Uncertain significance (1 of 4 stars; one submission).

Submission:

Labcorp Genetics (formerly Invitae), Labcorp
Classification: Uncertain significance. Last evaluated: 2022-09-21. Review status: criteria provided, single submitter. Criteria: Invitae Variant Classification Sherloc (09022015). Collection method: clinical testing. Allele origin: germline.
Comment: In summary, the available evidence is currently insufficient to determine the role of this variant in disease. Therefore, it has been classified as a Variant of Uncertain Significance. Experimental studies and prediction algorithms are not available or were not evaluated, and the functional significance of this variant is currently unknown. This variant has not been reported in the literature in individuals affected with FOXI3-related conditions. The frequency data for this variant in the population databases is considered unreliable, as metrics indicate insufficient coverage at this position in the gnomAD database. This sequence change replaces proline, which is neutral and non-polar, with threonine, which is neutral and polar, at codon 36 of the FOXI3 protein (p.Pro36Thr).